The following is an entry in ClinVar:

NM_001008212.2(OPTN):c.252G>C (p.Gln84His)

Genes: OPTN (optineurin; plus strand), LOC108903148 (10p13 OPTN distal Alu-mediated recombination region; plus strand). Cytogenetic location: 10p13.
Variant type: single nucleotide variant.
Coding change: c.252G>C on transcript NM_001008212.2 (MANE Select); coding-DNA position 252, G replaced by C.
Protein change: p.Gln84His; replaces glutamine 84 with histidine.
Molecular consequence: missense variant.
Genome position (GRCh38, 1-based): chr10:13,110,359, G>C. VCF-style: chr10-13110359-G-C. GRCh37 (hg19) VCF-style: chr10-13152359-G-C.
Other names: c.252G>C, p.Gln84His (NM_001008211.1, NM_001008213.1, NM_021980.4); short protein forms Q84H.
Identifiers: ClinVar variation 3756565 (VCV003756565.2).

ClinVar aggregate classification (germline): Uncertain significance (1 of 4 stars; one submission).

Conditions:
Glaucoma 1, open angle, E. Identifiers: MedGen C1842026, MONDO:0007665.
Amyotrophic lateral sclerosis type 12 (ALS12). Also called: AMYOTROPHIC LATERAL SCLEROSIS 12 WITH OR WITHOUT FRONTOTEMPORAL DEMENTIA. Identifiers: Orphanet 803, MedGen C3150692, MONDO:0013264, OMIM 613435.
Primary open angle glaucoma (POAG). Also called: OPTN-related open angle glaucoma. Identifiers: MedGen C0339573, MONDO:0100553, OMIM 137760.

Submission:

Labcorp Genetics (formerly Invitae), Labcorp
Classification: Uncertain significance for Primary open angle glaucoma; Glaucoma 1, open angle, E; Amyotrophic lateral sclerosis type 12. Last evaluated: 2025-12-22. Review status: criteria provided, single submitter. Criteria: Invitae Variant Classification Sherloc (09022015). Collection method: clinical testing. Allele origin: germline.
Comment: This sequence change replaces glutamine, which is neutral and polar, with histidine, which is basic and polar, at codon 84 of the OPTN protein (p.Gln84His). This variant is not present in population databases (gnomAD no frequency). This variant has not been reported in the literature in individuals affected with OPTN-related conditions. ClinVar contains an entry for this variant (Variation ID: 3756565). Invitae Evidence Modeling of protein sequence and biophysical properties (such as structural, functional, and spatial information, amino acid conservation, physicochemical variation, residue mobility, and thermodynamic stability) indicates that this missense variant is not expected to disrupt OPTN protein function with a negative predictive value of 80%. In summary, the available evidence is currently insufficient to determine the role of this variant in disease. Therefore, it has been classified as a Variant of Uncertain Significance.